The following is an entry in ClinVar:

ClinVar aggregate classification (germline): Pathogenic (1 of 4 stars; one submission).

Conditions:
Mucopolysaccharidosis, MPS-III-A (MPS3A). Also called: HEPARAN SULFATE SULFATASE DEFICIENCY; SANFILIPPO SYNDROME A; SULFAMIDASE DEFICIENCY; MPS III A; Mucopolysaccharidosis type IIIA (Sanfilippo A); Mucopolysaccharidosis, type IIIA. Identifiers: Orphanet 581, Orphanet 79269, MedGen C0086647, MONDO:0009655, OMIM 252900.

Submission:

Labcorp Genetics (formerly Invitae), Labcorp
Classification: Pathogenic for Mucopolysaccharidosis, MPS-III-A. Last evaluated: 2022-08-22. Review status: criteria provided, single submitter. Criteria: Invitae Variant Classification Sherloc (09022015). Collection method: clinical testing. Allele origin: germline.
Comment: This sequence change creates a premature translational stop signal (p.Trp423Leufs*79) in the SGSH gene. While this is not anticipated to result in nonsense mediated decay, it is expected to disrupt the last 80 amino acid(s) of the SGSH protein. This variant is not present in population databases (gnomAD no frequency). For these reasons, this variant has been classified as Pathogenic. This variant disrupts a region of the SGSH protein in which other variant(s) (p.Trp471*) have been determined to be pathogenic (Invitae). This suggests that this is a clinically significant region of the protein, and that variants that disrupt it are likely to be disease-causing. This variant has not been reported in the literature in individuals affected with SGSH-related conditions.

NM_000199.5(SGSH):c.1265dup (p.Trp423fs)

Gene: SGSH (N-sulfoglucosamine sulfohydrolase; minus strand). Cytogenetic location: 17q25.3.
Variant type: Duplication.
Coding change: c.1265dup on transcript NM_000199.5 (MANE Select); coding-DNA position 1265, one base duplicated (G; older notation c.1265dupG).
Protein change: p.Trp423fs; shifts the reading frame from tryptophan 423.
Molecular consequence: frameshift variant. On other transcripts: 3 prime UTR variant (2), non-coding transcript variant (1).
Genome position (GRCh38, 1-based): chr17:80,210,696, C duplicated on the plus strand (G on the coding strand, the reverse complement: SGSH is on the minus strand); the first of 3 consecutive C bases (chr17:80,210,696-80,210,698); duplicating any one gives the same sequence. VCF-style (leftmost placement, unchanged base first): chr17-80210695-G-GC. GRCh37 (hg19) VCF-style: chr17-78184494-G-GC.
Other names: c.*352dup (NM_001352921.3); c.*315dup (NM_001352922.2); short protein forms W423fs.
Identifiers: ClinVar variation 2026037 (VCV002026037.4), dbSNP rs2510857830, ClinGen allele CA2580095289.
Genomic context (GRCh38, chr17:80,210,695, plus strand): 5'-GCTCCGGTCGTAGAGCTCCCAGCGCGCCCGGTAGTAGTAATGACGGAGGTCCTTGTACCA[G>GC]CCCGTGGGCTGACCAGCTGTGGTGCGGTTCAGGAGGTCCTGGAAGGTGGGTGAGACGTAG-3'